The following is an entry in ClinVar:

NM_001388303.1(HECTD4):c.12701+1G>A

Gene: HECTD4 (HECT domain E3 ubiquitin protein ligase 4; minus strand). Cytogenetic location: 12q24.13.
Variant type: single nucleotide variant.
Coding change: c.12701+1G>A on transcript NM_001388303.1 (MANE Select); the canonical splice donor site of the intron after coding-DNA position 12701, G replaced by A.
Molecular consequence: splice donor variant.
Genome position (GRCh38, 1-based): chr12:112,164,108, C>T on the plus strand (G>A on the coding strand, the complement: HECTD4 is on the minus strand). VCF-style: chr12-112164108-C-T. GRCh37 (hg19) VCF-style: chr12-112601912-C-T.
Other names: NM_001388303.1:c.12701+1G>A; c.12731+1G>A (NM_001109662.4).
Identifiers: ClinVar variation 4819579 (VCV004819579.2).
Genomic context (GRCh38, chr12:112,164,108, plus strand): 5'-CATACCCTGGCTGGCTGGCCGGGCCAGCCCCTGCCAGCCCCTGACACGCGCACACACTCA[C>T]GCCACAAGGATGTGCCGGCCCCGGCTGCACAGCTCCACCTCCTCGCCCGTCATGGTCAGG-3'

ClinVar aggregate classification (germline): Uncertain significance (1 of 4 stars; one submission).

Conditions:
Neurodevelopmental disorder with seizures, spasticity, and complete or partial agenesis of the corpus callosum (NEDSSCC). Identifiers: MedGen C5830296, MONDO:0859516, OMIM 620250.

gnomAD v4.1: 3 of 1,574,314 alleles (0.00019%); highest among the groups gnomAD compares: Non-Finnish European, 0.00017%; no homozygotes.

Submission:

Broad Center for Mendelian Genomics, Broad Institute of MIT and Harvard
Classification: Uncertain significance for Neurodevelopmental disorder with seizures, spasticity, and complete or partial agenesis of the corpus callosum. Last evaluated: 2026-03-05. Review status: criteria provided, single submitter. Criteria: ACMG Guidelines, 2015. Collection method: research. Allele origin: germline. Inheritance: Autosomal recessive inheritance. Study: GREGoR Consortium.
Comment: The c.12701+1G>A variant in HECTD4 was identified by genome sequencing in the compound heterozygous state with a variant of uncertain significance in a child with global developmental delay, dystonia, hypotonia, seizure, and aplasia/hypoplasia of the corpus callosum (Broad Institute Rare Genomes Project). This variant has been identified in 0.002% (1/61076) of European (Finnish) by gnomAD. However, this frequency is low enough to be consistent with a recessive allele frequency. This variant occurs within the canonical splice site (+/- 1,2) and is predicted to cause altered splicing leading to an abnormal or absent protein. Loss of function of the HECTD4 gene has not been strongly associated with autosomal recessive neurodevelopmental disorder with seizures, spasticity, and complete or partial agenesis of the corpus callosum. Furthermore, although this gene has been reported in association with neurodevelopmental disorder with seizures, spasticity, and complete or partial agenesis of the corpus callosum, it currently has moderate evidence for these associations. In summary, while there is some suspicion for a pathogenic role, the clinical significance of this variant is uncertain.